The following is an entry in ClinVar:

ClinVar aggregate classification (germline): Uncertain significance (1 of 4 stars; one submission).

Submission:

Ambry Genetics
Classification: Uncertain significance. Last evaluated: 2025-02-16. Review status: criteria provided, single submitter. Criteria: Ambry Variant Classification Scheme 2023. Collection method: clinical testing. Allele origin: germline.
Comment: The p.G1212S variant (also known as c.3634G>A), located in coding exon 5 of the MLH3 gene, results from a G to A substitution at nucleotide position 3634. The glycine at codon 1212 is replaced by serine, an amino acid with similar properties. This amino acid position is conserved. In addition, this alteration is predicted to be tolerated by in silico analysis. Based on the available evidence, the clinical significance of this variant remains unclear.

NM_001040108.2(MLH3):c.3634G>A (p.Gly1212Ser)

Gene: MLH3 (mutL homolog 3; minus strand). Cytogenetic location: 14q24.3.
Variant type: single nucleotide variant.
Coding change: c.3634G>A on transcript NM_001040108.2 (MANE Select); coding-DNA position 3634, G replaced by A.
Protein change: p.Gly1212Ser; replaces glycine 1212 with serine.
Molecular consequence: missense variant.
Genome position (GRCh38, 1-based): chr14:75,038,349, C>T on the plus strand (G>A on the coding strand, the complement: MLH3 is on the minus strand). VCF-style: chr14-75038349-C-T. GRCh37 (hg19) VCF-style: chr14-75505052-C-T.
Other names: c.3634G>A, p.Gly1212Ser (NM_014381.3); short protein forms G1212S.
Identifiers: ClinVar variation 3873452 (VCV003873452.1).
Genomic context (GRCh38, chr14:75,038,349, plus strand): 5'-GGTTACAAGAAGACCAGCTGGTTAATCATTCAGGCTAAACTCCATTCTTACCTGCCTCGC[C>T]ATTCTCTTCAGTCTTAGTGCTCATCAAACAGGCAATAAACTTGTTATCTACTTGCTGGAG-3'
Protein context (NP_001035197.1, residues 1202-1222): CLMSTKTEEN[Gly1212Ser]EAGGNLLVLV